The following is an entry in ClinVar:

NM_170784.3(MKKS):c.1189C>G (p.Leu397Val)

Gene: MKKS (MKKS centrosomal shuttling protein; minus strand). Cytogenetic location: 20p12.2.
Variant type: single nucleotide variant.
Coding change: c.1189C>G on transcript NM_170784.3 (MANE Select); coding-DNA position 1189, C replaced by G.
Protein change: p.Leu397Val; replaces leucine 397 with valine.
Molecular consequence: missense variant. On other transcripts: non-coding transcript variant (1).
Genome position (GRCh38, 1-based): chr20:10,407,699, G>C on the plus strand (C>G on the coding strand, the complement: MKKS is on the minus strand). VCF-style: chr20-10407699-G-C. GRCh37 (hg19) VCF-style: chr20-10388347-G-C.
Other names: c.1189C>G, p.Leu397Val (NM_018848.3); short protein forms L397V.
Identifiers: ClinVar variation 2000587 (VCV002000587.1), dbSNP rs2514489100, ClinGen allele CA408231455.

ClinVar aggregate classification (germline): Uncertain significance (1 of 4 stars; one submission).

Conditions:
Bardet-Biedl syndrome (BBS). Identifiers: Orphanet 110, MedGen C0752166, MONDO:0015229.
McKusick-Kaufman syndrome (MKKS). Also called: HYDROMETROCOLPOS SYNDROME; HYDROMETROCOLPOS, POSTAXIAL POLYDACTYLY, AND CONGENITAL HEART MALFORMATION. Identifiers: Orphanet 2473, MedGen C0948368, MONDO:0009367, OMIM 236700.

Submission:

Labcorp Genetics (formerly Invitae), Labcorp
Classification: Uncertain significance for McKusick-Kaufman syndrome; Bardet-Biedl syndrome. Last evaluated: 2022-05-29. Review status: criteria provided, single submitter. Criteria: Invitae Variant Classification Sherloc (09022015). Collection method: clinical testing. Allele origin: germline.
Comment: This sequence change replaces leucine, which is neutral and non-polar, with valine, which is neutral and non-polar, at codon 397 of the MKKS protein (p.Leu397Val). This variant is not present in population databases (gnomAD no frequency). This variant has not been reported in the literature in individuals affected with MKKS-related conditions. Algorithms developed to predict the effect of missense changes on protein structure and function are either unavailable or do not agree on the potential impact of this missense change (SIFT: "Deleterious"; PolyPhen-2: "Probably Damaging"; Align-GVGD: "Class C0"). In summary, the available evidence is currently insufficient to determine the role of this variant in disease. Therefore, it has been classified as a Variant of Uncertain Significance.